The following is an entry in ClinVar:

ClinVar aggregate classification (germline): Uncertain significance (1 of 4 stars; one submission).

Submission:

GeneDx
Classification: Uncertain significance. Last evaluated: 2024-09-23. Review status: criteria provided, single submitter. Criteria: GeneDx Variant Classification Process June 2021. Collection method: clinical testing. Allele origin: germline. Affected: yes.
Comment: Identified in a patient with aneurysm of aortic root (PMID: 29907982); Not observed at significant frequency in large population cohorts (gnomAD); In silico analysis supports that this missense variant has a deleterious effect on protein structure/function; This variant is associated with the following publications: (PMID: 36053285, 29907982)

NM_001613.4(ACTA2):c.835A>G (p.Thr279Ala)

Genes: ACTA2 (actin alpha 2, smooth muscle; minus strand), ACTA2-AS1 (ACTA2 antisense RNA 1; plus strand). Cytogenetic location: 10q23.31.
Variant type: single nucleotide variant.
Coding change: c.835A>G on transcript NM_001613.4 (MANE Select); coding-DNA position 835, A replaced by G.
Protein change: p.Thr279Ala; replaces threonine 279 with alanine.
Molecular consequence: missense variant. On other transcripts: non-coding transcript variant (1).
Genome position (GRCh38, 1-based): chr10:88,938,216, T>C on the plus strand (A>G on the coding strand, the complement: ACTA2 is on the minus strand). VCF-style: chr10-88938216-T-C. GRCh37 (hg19) VCF-style: chr10-90697973-T-C.
Other names: c.835A>G, p.Thr279Ala (NM_001141945.3, NM_001320855.2, NM_001406462.1 and 2 more transcripts); c.724A>G, p.Thr242Ala (NM_001406466.1); c.706A>G, p.Thr236Ala (NM_001406467.1, NM_001406468.1, NM_001406469.1); c.643A>G, p.Thr215Ala (NM_001406471.1); short protein forms T215A, T236A, T242A, T279A.
Identifiers: ClinVar variation 3773937 (VCV003773937.1).